The following is an entry in ClinVar:

ClinVar aggregate classification (germline): Uncertain significance. Review status: criteria provided, multiple submitters, no conflicts (2 of 4 stars). 2 submissions from 2 submitters: Uncertain significance (2). Last evaluated 2022-12-04.

Conditions:
Primary ciliary dyskinesia. Also called: Ciliary dyskinesia. Identifiers: Orphanet 244, MedGen C0008780, MONDO:0016575, HP:0012265.

Allele frequency attached by ClinVar (database versions not stated): gnomAD 0.00001 and 0.00002; TOPMed 0.00003.
gnomAD v4.1: 5 of 1,613,164 alleles (0.00031%); highest among the groups gnomAD compares: African/African-American, 0.0013%; no homozygotes.

Submissions (2):

Ambry Genetics
Classification: Uncertain significance for Primary ciliary dyskinesia. Last evaluated: 2022-12-04. Review status: criteria provided, single submitter. Criteria: Ambry Variant Classification Scheme 2023. Collection method: clinical testing. Allele origin: germline.
Comment: The p.E416G variant (also known as c.1247A>G), located in coding exon 10 of the CCDC39 gene, results from an A to G substitution at nucleotide position 1247. The glutamic acid at codon 416 is replaced by glycine, an amino acid with similar properties. This amino acid position is conserved. In addition, the in silico prediction for this alteration is inconclusive. Since supporting evidence is limited at this time, the clinical significance of this alteration remains unclear.

Labcorp Genetics (formerly Invitae), Labcorp
Classification: Uncertain significance for Primary ciliary dyskinesia. Last evaluated: 2021-10-30. Review status: criteria provided, single submitter. Criteria: Invitae Variant Classification Sherloc (09022015). Collection method: clinical testing. Allele origin: germline.
Comment: This sequence change replaces glutamic acid, which is acidic and polar, with glycine, which is neutral and non-polar, at codon 416 of the CCDC39 protein (p.Glu416Gly). This variant is present in population databases (no rsID available, gnomAD 0.004%). This variant has not been reported in the literature in individuals affected with CCDC39-related conditions. Algorithms developed to predict the effect of missense changes on protein structure and function are either unavailable or do not agree on the potential impact of this missense change (SIFT: "Deleterious"; PolyPhen-2: "Possibly Damaging"; Align-GVGD: "Class C0"). In summary, the available evidence is currently insufficient to determine the role of this variant in disease. Therefore, it has been classified as a Variant of Uncertain Significance.

NM_181426.2(CCDC39):c.1247A>G (p.Glu416Gly)

Gene: CCDC39 (coiled-coil domain 39 molecular ruler complex subunit; minus strand). Cytogenetic location: 3q26.33.
Variant type: single nucleotide variant.
Coding change: c.1247A>G on transcript NM_181426.2 (MANE Select); coding-DNA position 1247, A replaced by G.
Protein change: p.Glu416Gly; replaces glutamic acid 416 with glycine.
Molecular consequence: missense variant.
Genome position (GRCh38, 1-based): chr3:180,648,280, T>C on the plus strand (A>G on the coding strand, the complement: CCDC39 is on the minus strand). VCF-style: chr3-180648280-T-C. GRCh37 (hg19) VCF-style: chr3-180366068-T-C.
Other names: c.1247A>G (NM_181426.1); short protein forms E416G.
Identifiers: ClinVar variation 1354747 (VCV001354747.5), dbSNP rs757515577, ClinGen allele CA88644752.